The following is an entry in ClinVar:

NM_001375567.1(FOCAD):c.1115AAG[1] (p.Glu373del)

Gene: FOCAD (focadhesin; plus strand). Cytogenetic location: 9p21.3.
Variant type: Microsatellite.
Coding change: c.1115AAG[1] on transcript NM_001375567.1 (MANE Select); one copy of the 3-base unit AAG starting at c.1115; the reference has two copies in a row; one copy, 3 bases deleted.
Protein change: p.Glu373del; deletes glutamic acid 373.
Molecular consequence: inframe deletion.
Genome position (GRCh38, 1-based): chr9:20,781,850-20,781,852, AAG deleted; deleting any 3 consecutive bases within chr9:20,781,846-20,781,852 gives the same sequence; the position shown is the placement nearest the transcript's 3' end. VCF-style (leftmost placement, unchanged base first): chr9-20781845-TGAA-T. GRCh37 (hg19) VCF-style: chr9-20781844-TGAA-T.
Other names: c.1115AAG[1], p.Glu373del (NM_001375568.1, NM_017794.5); c.1010AAG[1], p.Glu338del (NM_001375570.1); short protein forms E338del, E373del.
Identifiers: ClinVar variation 2711527 (VCV002711527.3), dbSNP rs2490097045, ClinGen allele CA2697557682.
Genomic context (GRCh38, chr9:20,781,845, plus strand): 5'-AGTGATGCCAATTCTGCAGATACTATCTTCTACTGCCTTGGAAGACTGTATATCTGTGGA[TGAA>T]GAAGGTCCCTCTAGGCAGCAGTTGGCTCTAAACCTTTTGGAAATGATACAGCAGGAATGT-3'

ClinVar aggregate classification (germline): Uncertain significance (1 of 4 stars; one submission).

Submission:

Labcorp Genetics (formerly Invitae), Labcorp
Classification: Uncertain significance. Last evaluated: 2024-07-01. Review status: criteria provided, single submitter. Criteria: Invitae Variant Classification Sherloc (09022015). Collection method: clinical testing. Allele origin: germline.
Comment: This variant, c.1118_1120del, results in the deletion of 1 amino acid(s) of the FOCAD protein (p.Glu373del), but otherwise preserves the integrity of the reading frame. This variant is not present in population databases (gnomAD no frequency). This variant has not been reported in the literature in individuals affected with FOCAD-related conditions. Experimental studies and prediction algorithms are not available or were not evaluated, and the functional significance of this variant is currently unknown. In summary, the available evidence is currently insufficient to determine the role of this variant in disease. Therefore, it has been classified as a Variant of Uncertain Significance.